The following is an entry in ClinVar:

NM_001080.3(ALDH5A1):c.961G>A (p.Val321Met)

Gene: ALDH5A1 (aldehyde dehydrogenase 5 family member A1; plus strand). Cytogenetic location: 6p22.3.
Variant type: single nucleotide variant.
Coding change: c.961G>A on transcript NM_001080.3 (MANE Select); coding-DNA position 961, G replaced by A.
Protein change: p.Val321Met; replaces valine 321 with methionine.
Molecular consequence: missense variant.
Genome position (GRCh38, 1-based): chr6:24,520,491, G>A. VCF-style: chr6-24520491-G-A. GRCh37 (hg19) VCF-style: chr6-24520719-G-A.
Other names: p.Val321Met; c.817G>A, p.Val273Met (NM_001368954.1); c.1000G>A, p.Val334Met (NM_170740.1); short protein forms V321M, V334M, V273M.
Identifiers: ClinVar variation 284072 (VCV000284072.60), dbSNP rs115784602, ClinGen allele CA3656805.

ClinVar aggregate classification (germline): Conflicting classifications of pathogenicity. Review status: criteria provided, conflicting classifications (1 of 4 stars). 13 submissions from 13 submitters: Uncertain significance (1); Benign (2); Likely benign (7). 3 of the submissions do not count toward it. Last evaluated 2026-09-01.

Conditions:
ALDH5A1-related disorder. Also called: ALDH5A1-related condition.
Succinate-semialdehyde dehydrogenase deficiency (SSADHD). Also called: 4-HYDROXYBUTYRIC ACIDURIA; SSADH DEFICIENCY; GABA METABOLIC DEFECT; Succinic Semialdehyde Dehydrogenase Deficiency. Identifiers: Orphanet 22, MedGen C0268631, MONDO:0010083, OMIM 271980.

Allele frequency attached by ClinVar (database versions not stated): 1000 Genomes Project 0.00160; 1000 Genomes Project 30x 0.00187; TOPMed 0.00299; ExAC 0.00312; gnomAD exomes 0.00331 and 0.00487; gnomAD 0.00336 and 0.00349; ESP Exome Variant Server 0.00377.
gnomAD v4.1: 7,533 of 1,614,160 alleles (0.47%); highest among the groups gnomAD compares: Non-Finnish European, 0.56%; 23 homozygotes.

Submissions (13):

CeGaT Center for Human Genetics Tuebingen
Classification: Likely benign. Last evaluated: 2026-09-01. Review status: criteria provided, single submitter. Criteria: CeGaT Center For Human Genetics Tuebingen Variant Classification Criteria Version 2. Collection method: clinical testing. Allele origin: germline. Affected: yes. Observed: 12 variant alleles.
Comment: ALDH5A1: BS2

Labcorp Genetics (formerly Invitae), Labcorp
Classification: Benign for Succinate-semialdehyde dehydrogenase deficiency. Last evaluated: 2026-02-03. Review status: criteria provided, single submitter. Criteria: Invitae Variant Classification Sherloc (09022015). Collection method: clinical testing. Allele origin: germline.

ARUP Laboratories, Molecular Genetics and Genomics, ARUP Laboratories
Classification: Likely benign for Succinate-semialdehyde dehydrogenase deficiency. Last evaluated: 2025-04-16. Review status: criteria provided, single submitter. Criteria: ARUP Molecular Germline Variant Investigation Process 2024. Collection method: clinical testing. Allele origin: germline.

Blueprint Genetics
Classification: Likely benign. Last evaluated: 2024-11-18. Review status: criteria provided, single submitter. Criteria: ACMG Guidelines, 2015. Collection method: clinical testing. Allele origin: germline.

Mayo Clinic Laboratories, Mayo Clinic
Classification: Benign. Last evaluated: 2023-05-04. Review status: criteria provided, single submitter. Criteria: ACMG Guidelines, 2015. Collection method: clinical testing. Allele origin: germline. Observed: 6 variant alleles.
Comment: BA1, BS2

GeneDx
Classification: Likely benign. Last evaluated: 2020-11-17. Review status: criteria provided, single submitter. Criteria: GeneDx Variant Classification Process June 2021. Collection method: clinical testing. Allele origin: germline. Affected: yes.

Genetic Services Laboratory, University of Chicago
Classification: Likely benign. Last evaluated: 2020-05-14. Review status: criteria provided, single submitter. Criteria: ACMG Guidelines, 2015. Collection method: clinical testing. Allele origin: germline. Affected: no.

Illumina Laboratory Services, Illumina
Classification: Likely benign for Succinate-semialdehyde dehydrogenase deficiency. Last evaluated: 2018-01-13. Review status: criteria provided, single submitter. Criteria: ICSL Variant Classification Criteria 13 December 2019. Collection method: clinical testing. Allele origin: germline.
Comment: This variant was observed in the ICSL laboratory as part of a predisposition screen in an ostensibly healthy population. It had not been previously curated by ICSL or reported in the Human Gene Mutation Database (HGMD: prior to June 1st, 2018), and was therefore a candidate for classification through an automated scoring system. Utilizing variant allele frequency, disease prevalence and penetrance estimates, and inheritance mode, an automated score was calculated to assess if this variant is too frequent to cause the disease. Based on the score and internal cut-off values, a variant classified as likely benign is not then subjected to further curation. The score for this variant resulted in a classification of likely benign for this disease.

Center for Pediatric Genomic Medicine, Children's Mercy Hospital and Clinics
Classification: Uncertain significance. Last evaluated: 2016-12-28. Review status: criteria provided, single submitter. Criteria: ACMG Guidelines, 2015. Collection method: clinical testing. Allele origin: germline.
ClinVar note: Converted during submission from Uncertain Significance to Uncertain significance.

Eurofins Ntd Llc (ga)
Classification: Likely benign. Last evaluated: 2015-10-26. Review status: criteria provided, single submitter. Criteria: EGL Classification Definitions 2015. Collection method: clinical testing. Allele origin: germline. Observed: 1 variant allele, 1 heterozygote.

PreventionGenetics, part of Exact Sciences
Classification: Benign for ALDH5A1-related condition. Last evaluated: 2020-09-23. Review status: no assertion criteria provided. Collection method: clinical testing. Allele origin: germline. Not counted in ClinVar's aggregate classification.
Comment: This variant is classified as benign based on ACMG/AMP sequence variant interpretation guidelines (Richards et al. 2015 PMID: 25741868, with internal and published modifications).

Diagnostic Laboratory, Department of Genetics, University Medical Center Groningen
Classification: Likely benign. Review status: no assertion criteria provided. Collection method: clinical testing. Allele origin: germline. Affected: yes. Study: VKGL Data-share Consensus. Not counted in ClinVar's aggregate classification.

Joint Genome Diagnostic Labs from Nijmegen and Maastricht, Radboudumc and MUMC+
Classification: Benign. Review status: no assertion criteria provided. Collection method: clinical testing. Allele origin: germline. Affected: yes. Study: VKGL Data-share Consensus. Not counted in ClinVar's aggregate classification.